The following is an entry in ClinVar:

ClinVar aggregate classification (germline): Likely benign (1 of 4 stars; one submission).

gnomAD v4.1: 18 of 1,613,994 alleles (0.0011%); highest among the groups gnomAD compares: South Asian, 0.0055%; no homozygotes.

Submission:

Mayo Clinic Laboratories, Mayo Clinic
Classification: Likely benign. Last evaluated: 2025-04-30. Review status: criteria provided, single submitter. Criteria: ACMG Guidelines, 2015. Collection method: clinical testing. Allele origin: germline. Observed: 1 variant allele.
Comment: BP4, BP7, PM2_supporting

NM_001256071.3(RNF213):c.2730G>A (p.Thr910=)

Gene: RNF213 (ring finger protein 213; plus strand). Cytogenetic location: 17q25.3.
Variant type: single nucleotide variant.
Coding change: c.2730G>A on transcript NM_001256071.3 (MANE Select); coding-DNA position 2730, G replaced by A.
Protein change: p.Thr910=; no amino-acid change (threonine 910 retained).
Molecular consequence: synonymous variant.
Genome position (GRCh38, 1-based): chr17:80,313,086, G>A. VCF-style: chr17-80313086-G-A. GRCh37 (hg19) VCF-style: chr17-78286886-G-A.
Other names: p.Thr910=; c.2877G>A, p.Thr959= (NM_001410195.1, NM_020914.5); c.2730G>A, p.Thr910= (NM_020954.4).
Identifiers: ClinVar variation 4684264 (VCV004684264.1).